The following is an entry in ClinVar:

ClinVar aggregate classification (germline): Pathogenic (1 of 4 stars; one submission).

Conditions:
Waardenburg syndrome type 1 (WS1). Also called: WAARDENBURG SYNDROME WITH DYSTOPIA CANTHORUM; Waardenburg Syndrome Type I. Identifiers: Orphanet 894, MedGen C1847800, MONDO:0008670, OMIM 193500.

Submission:

Institute of Rare Diseases, West China Hospital, Sichuan University
Classification: Pathogenic for Waardenburg syndrome type 1. Last evaluated: 2025-01-09. Review status: criteria provided, single submitter. Criteria: ClinGen HL ACMG Specifications v1. Collection method: research. Allele origin: germline. Affected: yes.
Comment: PM1;PVS1;PP1;PP4;PM2_Supporting

NM_181458.4(PAX3):c.451+1G>C

Gene: PAX3 (paired box 3; minus strand). Cytogenetic location: 2q36.1.
Variant type: single nucleotide variant.
Coding change: c.451+1G>C on transcript NM_181458.4 (MANE Select); the canonical splice donor site of the intron after coding-DNA position 451, G replaced by C.
Molecular consequence: splice donor variant.
Genome position (GRCh38, 1-based): chr2:222,295,527, C>G on the plus strand (G>C on the coding strand, the complement: PAX3 is on the minus strand). VCF-style: chr2-222295527-C-G. GRCh37 (hg19) VCF-style: chr2-223160246-C-G.
Other names: c.448+1G>C (NM_001127366.3); c.451+1G>C (NM_181460.4, NM_181461.4, NM_181459.4 and 3 more transcripts).
Identifiers: ClinVar variation 3601581 (VCV003601581.1).
Genomic context (GRCh38, chr2:222,295,527, plus strand): 5'-ACGTGCCGGGGTAATAGCGACTGACTGTCGCGCCTCGGGGAGAGGTTAATGGGCCTAGTA[C>G]CTGACGGCACGGTGTTTCGATCACAGACCGCGTCCTTGAGTAATTTGTCTCGGATTTCCC-3'